The following is an entry in ClinVar:

NC_000022.10:g.(?_29083879)_(29083980_?)del

Gene: CHEK2 (checkpoint kinase 2; minus strand). Cytogenetic location: 22q12.1.
Variant type: Deletion.
Identifiers: ClinVar variation 3247413 (VCV003247413.1).

ClinVar aggregate classification (germline): Likely pathogenic (1 of 4 stars; one submission).

Conditions:
Familial cancer of breast. Also called: BREAST CANCER, FAMILIAL; Hereditary breast cancer; hereditary breast carcinoma. Identifiers: Orphanet 227535, MedGen C0346153, MONDO:0016419, OMIM 114480. Disease mechanism: loss of function.

Submission:

Labcorp Genetics (formerly Invitae), Labcorp
Classification: Likely pathogenic for Familial cancer of breast. Last evaluated: 2022-09-07. Review status: criteria provided, single submitter. Criteria: Invitae Variant Classification Sherloc (09022015). Collection method: clinical testing. Allele origin: unknown.
Comment: In summary, the currently available evidence indicates that the variant is pathogenic, but additional data are needed to prove that conclusively. Therefore, this variant has been classified as Likely Pathogenic. This variant disrupts the nuclear localization signal (NLS) of the CHEK2 protein, which is critical for proper nuclear localization (PMID: 18004398, 12909615). While functional studies have not been performed to directly test the effect of this variant on CHEK2 protein function, this suggests that disruption of this region of the protein is causative of disease. This variant has not been reported in the literature in individuals affected with CHEK2-related conditions. This variant is a gross deletion of the genomic region encompassing exon(s) 15 of the CHEK2 gene, which includes the termination codon. This deletion extends beyond the assayed region for this gene and therefore may encompass additional genes. While this deletion is not anticipated to lead to nonsense mediated decay, it is expected to alter mRNA translation or result in a truncated protein product.

Literature cited by the submitters: PubMed 18004398; PubMed 12909615.